The following is an entry in ClinVar:

NM_004415.4(DSP):c.6229C>G (p.Leu2077Val)

Gene: DSP (desmoplakin; plus strand). Cytogenetic location: 6p24.3.
Variant type: single nucleotide variant.
Coding change: c.6229C>G on transcript NM_004415.4 (MANE Select); coding-DNA position 6229, C replaced by G.
Protein change: p.Leu2077Val; replaces leucine 2077 with valine.
Molecular consequence: missense variant.
Genome position (GRCh38, 1-based): chr6:7,583,491, C>G. VCF-style: chr6-7583491-C-G. GRCh37 (hg19) VCF-style: chr6-7583724-C-G.
Other names: c.6229C>G (LRG_423t1); c.4432C>G, p.Leu1478Val (NM_001008844.3); c.4900C>G, p.Leu1634Val (NM_001319034.2); short protein forms L2077V, L1478V, L1634V.
Identifiers: ClinVar variation 432555 (VCV000432555.2), dbSNP rs764619784, ClinGen allele CA047115.

ClinVar aggregate classification (germline): Uncertain significance (1 of 4 stars; one submission).

Allele frequency attached by ClinVar (database versions not stated): gnomAD exomes below 0.00001; ExAC 0.00001.
gnomAD v4.1: 2 of 1,614,176 alleles (0.00012%); highest among the groups gnomAD compares: South Asian, 0.0022%; no homozygotes.

Submission:

GeneDx
Classification: Uncertain significance. Last evaluated: 2017-06-07. Review status: criteria provided, single submitter. Criteria: GeneDx Variant Classification (06012015). Collection method: clinical testing. Allele origin: germline. Affected: yes.
Comment: The L2077V variant of uncertain significance in the DSP gene has not been published as pathogenic or been reported as benign to our knowledge. This variant was not observed at any significant frequency in large population cohorts (Lek et al., 2016; 1000 Genomes Consortium et al., 2015; Exome Variant Server). The L2077V variant is a conservative amino acid substitution, which is not likely to impact secondary protein structure as these residues share similar properties. Additionally, this substitution occurs at a position where amino acids with similar properties to Leucine are tolerated across species, and V2077 is the wild-type allele in zebra-fish and lamprey. Nevertheless, two of three in silico analysis algorithms predict this variant is probably damaging to the protein structure/function. Therefore, based on the currently available information, it is unclear whether this variant is pathogenic or rare benign.